The following is an entry in ClinVar:

ClinVar aggregate classification (germline): Pathogenic (1 of 4 stars; one submission).

Conditions:
Glycogen storage disease, type IV (GSD4). Also called: BRANCHER DEFICIENCY; AMYLOPECTINOSIS; ANDERSEN DISEASE; CIRRHOSIS, FAMILIAL, WITH DEPOSITION OF ABNORMAL GLYCOGEN; Glycogen storage disease due to glycogen branching enzyme deficiency; GBE1 DEFICIENCY. Identifiers: Orphanet 367, MedGen C0017923, MONDO:0009292, OMIM 232500.
Glycogen storage disease IV, classic hepatic. Also called: GSD IV, CLASSIC HEPATIC. Identifiers: MedGen C1856301.

Submission:

Labcorp Genetics (formerly Invitae), Labcorp
Classification: Pathogenic for Glycogen storage disease, type IV; Glycogen storage disease IV, classic hepatic. Last evaluated: 2023-11-24. Review status: criteria provided, single submitter. Criteria: Invitae Variant Classification Sherloc (09022015). Collection method: clinical testing. Allele origin: germline.
Comment: This sequence change creates a premature translational stop signal (p.Leu117Thrfs*16) in the GBE1 gene. It is expected to result in an absent or disrupted protein product. Loss-of-function variants in GBE1 are known to be pathogenic (PMID: 15452297, 20058079). This variant is not present in population databases (gnomAD no frequency). This variant has not been reported in the literature in individuals affected with GBE1-related conditions. For these reasons, this variant has been classified as Pathogenic.

Literature cited by the submitters: PubMed 15452297; PubMed 20058079.

NM_000158.4(GBE1):c.348dup (p.Leu117fs)

Gene: GBE1 (1,4-alpha-glucan branching enzyme 1; minus strand). Cytogenetic location: 3p12.2.
Variant type: Duplication.
Coding change: c.348dup on transcript NM_000158.4 (MANE Select); coding-DNA position 348, one base duplicated (A; older notation c.348dupA).
Protein change: p.Leu117fs; shifts the reading frame from leucine 117.
Molecular consequence: frameshift variant.
Genome position (GRCh38, 1-based): chr3:81,670,919, T duplicated on the plus strand (A on the coding strand, the reverse complement: GBE1 is on the minus strand); the first of 6 consecutive T bases (chr3:81,670,919-81,670,924); duplicating any one gives the same sequence. VCF-style (leftmost placement, unchanged base first): chr3-81670918-G-GT. GRCh37 (hg19) VCF-style: chr3-81720069-G-GT.
Other names: short protein forms L117fs.
Identifiers: ClinVar variation 2954142 (VCV002954142.3), dbSNP rs2471864491, ClinGen allele CA2666623585.
Genomic context (GRCh38, chr3:81,670,918, plus strand): 5'-GCACGAGTACAGATTTATTCTGCTTTGGTGGGATATACAGCTCCCATTTTCCATAATCCA[G>GT]TTTTTTGTATGGGTACGAAAATGGATTCCAACCATCTAAAAAAATGAAGAAGATCAGTTA-3'